The following is an entry in ClinVar:

NM_002872.5(RAC2):c.378C>T (p.Ile126=)

Gene: RAC2 (Rac family small GTPase 2; minus strand). Cytogenetic location: 22q13.1.
Variant type: single nucleotide variant.
Coding change: c.378C>T on transcript NM_002872.5 (MANE Select); coding-DNA position 378, C replaced by T.
Protein change: p.Ile126=; no amino-acid change (isoleucine 126 retained).
Molecular consequence: synonymous variant.
Genome position (GRCh38, 1-based): chr22:37,231,301, G>A on the plus strand (C>T on the coding strand, the complement: RAC2 is on the minus strand). VCF-style: chr22-37231301-G-A. GRCh37 (hg19) VCF-style: chr22-37627341-G-A.
Other names: c.378C>T (NM_002872.4).
Identifiers: ClinVar variation 1984409 (VCV001984409.6), dbSNP rs986205783, ClinGen allele CA324079603.

ClinVar aggregate classification (germline): Likely benign. Review status: criteria provided, single submitter (1 of 4 stars). 2 submissions from 2 submitters: Likely benign (1). 1 of the submissions does not count toward it. Last evaluated 2022-08-13.

Conditions:
RAC2-related disorder. Also called: RAC2-related condition.
Neutrophil immunodeficiency syndrome. Also called: Immunodeficiency 73A with defective neutrophil chemotaxis and leukocytosis. Identifiers: Orphanet 183707, MedGen C1842398, MONDO:0011988, OMIM 608203.

Allele frequency attached by ClinVar (database versions not stated): TOPMed below 0.00001; gnomAD 0.00001; gnomAD exomes 0.00002.
gnomAD v4.1: 31 of 1,613,996 alleles (0.0019%); highest among the groups gnomAD compares: South Asian, 0.0099%; no homozygotes.

Submissions (2):

Labcorp Genetics (formerly Invitae), Labcorp
Classification: Likely benign for Neutrophil immunodeficiency syndrome. Last evaluated: 2022-08-13. Review status: criteria provided, single submitter. Criteria: Invitae Variant Classification Sherloc (09022015). Collection method: clinical testing. Allele origin: germline.

PreventionGenetics, part of Exact Sciences
Classification: Likely benign for RAC2-related condition. Last evaluated: 2024-01-05. Review status: no assertion criteria provided. Collection method: clinical testing. Allele origin: germline. Not counted in ClinVar's aggregate classification.
Comment: This variant is classified as likely benign based on ACMG/AMP sequence variant interpretation guidelines (Richards et al. 2015 PMID: 25741868, with internal and published modifications).